The following is an entry in ClinVar:

ClinVar aggregate classification (germline): Uncertain significance. Review status: criteria provided, multiple submitters, no conflicts (2 of 4 stars). 2 submissions from 2 submitters: Uncertain significance (2). Last evaluated 2021-04-28.

Conditions:
Fanconi anemia complementation group Q. Identifiers: Orphanet 84, MedGen C3808988, MONDO:0014108, OMIM 615272.
Xeroderma pigmentosum, group F (XPF). Also called: ERCC4-Related Xeroderma Pigmentosum; XERODERMA PIGMENTOSUM VI; XP, GROUP F; XERODERMA PIGMENTOSUM, COMPLEMENTATION GROUP F; XERODERMA PIGMENTOSUM, TYPE F; Xeroderma pigmentosum, type 6. Identifiers: MedGen C0268140, MONDO:0010215, OMIM 278760.
Cockayne syndrome. Identifiers: Orphanet 191, MedGen C0009207, MONDO:0016006.

Allele frequency attached by ClinVar (database versions not stated): gnomAD 0.00001; TOPMed 0.00001; gnomAD exomes 0.00003 and 0.00006.
gnomAD v4.1: 85 of 1,613,950 alleles (0.0053%); highest among the groups gnomAD compares: Non-Finnish European, 0.0067%; no homozygotes.

Submissions (2):

Labcorp Genetics (formerly Invitae), Labcorp
Classification: Uncertain significance for Fanconi anemia complementation group Q; Xeroderma pigmentosum, group F; Cockayne syndrome. Last evaluated: 2021-04-28. Review status: criteria provided, single submitter. Criteria: Invitae Variant Classification Sherloc (09022015). Collection method: clinical testing. Allele origin: germline.
Comment: This variant is not present in population databases (ExAC no frequency). This sequence change replaces cysteine with tryptophan at codon 525 of the ERCC4 protein (p.Cys525Trp). The cysteine residue is weakly conserved and there is a large physicochemical difference between cysteine and tryptophan. This variant has not been reported in the literature in individuals with ERCC4-related conditions. In summary, the available evidence is currently insufficient to determine the role of this variant in disease. Therefore, it has been classified as a Variant of Uncertain Significance. Algorithms developed to predict the effect of missense changes on protein structure and function are either unavailable or do not agree on the potential impact of this missense change (SIFT: "Deleterious"; PolyPhen-2: "Benign"; Align-GVGD: "Class C0").

GeneDx
Classification: Uncertain significance. Last evaluated: 2020-12-07. Review status: criteria provided, single submitter. Criteria: GeneDx Variant Classification Process June 2021. Collection method: clinical testing. Allele origin: germline. Affected: yes.
Comment: In silico analysis supports that this missense variant does not alter protein structure/function; Has not been previously published as pathogenic or benign to our knowledge

NM_005236.3(ERCC4):c.1575C>G (p.Cys525Trp)

Gene: ERCC4 (ERCC excision repair 4, endonuclease catalytic subunit; plus strand). Cytogenetic location: 16p13.12.
Variant type: single nucleotide variant.
Coding change: c.1575C>G on transcript NM_005236.3 (MANE Select); coding-DNA position 1575, C replaced by G.
Protein change: p.Cys525Trp; replaces cysteine 525 with tryptophan.
Molecular consequence: missense variant.
Genome position (GRCh38, 1-based): chr16:13,935,507, C>G. VCF-style: chr16-13935507-C-G. GRCh37 (hg19) VCF-style: chr16-14029364-C-G.
Other names: short protein forms C525W.
Identifiers: ClinVar variation 1320478 (VCV001320478.9), dbSNP rs779170299, ClinGen allele CA394811624.